The following is an entry in ClinVar:

ClinVar aggregate classification (germline): Pathogenic. Review status: criteria provided, multiple submitters, no conflicts (2 of 4 stars). 5 submissions from 5 submitters: Pathogenic (3). 2 of the submissions do not count toward it. Last evaluated 2023-04-26.

Conditions:
Autosomal dominant epilepsy.
Early-infantile DEE. Also called: Early infantile epileptic encephalopathy with suppression bursts; Early infantile epileptic encephalopathy; Ohtahara syndrome. Identifiers: Orphanet 1934, MedGen C0393706, MONDO:0800491.
Generalized epilepsy with febrile seizures plus, type 2 (GEFSP2). Also called: GEFS+, TYPE 2. Identifiers: Orphanet 36387, MedGen C1858673, MONDO:0011461, OMIM 604403.
Severe myoclonic epilepsy in infancy (DRVT). Also called: Epileptic encephalopathy, early infantile, 6 (Dravet syndrome); Dravet syndrome; SEVERE MYOCLONIC EPILEPSY OF INFANCY; DEVELOPMENTAL AND EPILEPTIC ENCEPHALOPATHY 6A; Severe Myoclonic Epilepsy in Infancy (SMEI). Identifiers: Orphanet 33069, MedGen C0751122, MONDO:0100135, OMIM 607208.

Allele frequency attached by ClinVar (database versions not stated): gnomAD exomes below 0.00001.

Submissions (6):

Labcorp Genetics (formerly Invitae), Labcorp
Classification: Pathogenic for Early-infantile DEE. Last evaluated: 2023-04-26. Review status: criteria provided, single submitter. Criteria: Invitae Variant Classification Sherloc (09022015). Collection method: clinical testing. Allele origin: germline.
Comment: For these reasons, this variant has been classified as Pathogenic. Experimental studies have shown that this missense change affects SCN1A function (PMID: 12086636, 20100831). Advanced modeling of protein sequence and biophysical properties (such as structural, functional, and spatial information, amino acid conservation, physicochemical variation, residue mobility, and thermodynamic stability) performed at Invitae indicates that this missense variant is expected to disrupt SCN1A protein function. ClinVar contains an entry for this variant (Variation ID: 12882). This missense change has been observed in individual(s) with SCN1A-related conditions (PMID: 10742094, 20522430). It has also been observed to segregate with disease in related individuals. This variant is not present in population databases (gnomAD no frequency). This sequence change replaces arginine, which is basic and polar, with histidine, which is basic and polar, at codon 1648 of the SCN1A protein (p.Arg1648His).

GeneDx
Classification: Pathogenic. Last evaluated: 2023-02-15. Review status: criteria provided, single submitter. Criteria: GeneDx Variant Classification Process June 2021. Collection method: clinical testing. Allele origin: germline. Affected: yes.
Comment: Published functional studies demonstrate a damaging effect as this variant alters the function of the sodium channel with a defect in channel inactivation (Spampanato et al., 2001; Lossin et al., 2002; Martin et al. 2010); Additional functional studies in a mouse model demonstrate that R1648H causes an interneuron-specific defect in action potential which causes neuronal network hyperexcitability (Hedrich et al., 2014; Salgueiro-Pereira et al., 2019); Missense variants in this gene are often considered pathogenic (HGMD); In silico analysis supports that this missense variant has a deleterious effect on protein structure/function; Not observed at significant frequency in large population cohorts (gnomAD); This variant is associated with the following publications: (PMID: 12086636, 27267376, 16380441, 20522430, 10486327, 14702334, 20100831, 23311867, 10742094, 25378155, 11118488, 11567038, 28717674, 26410685, 30525188, 33841294, 32090326, 30659983)

Women's Health and Genetics/Laboratory Corporation of America, LabCorp
Classification: Pathogenic for Autosomal dominant epilepsy. Last evaluated: 2019-08-10. Review status: criteria provided, single submitter. Criteria: LabCorp Variant Classification Summary - May 2015. Collection method: clinical testing. Allele origin: germline.
Comment: Variant summary: SCN1A c.4943G>A (p.Arg1648His) results in a non-conservative amino acid change located in the Ion transport domain (IPR005821) of the encoded protein sequence. Five of five in-silico tools predict a damaging effect of the variant on protein function. The variant allele was found at a frequency of 4e-06 in 251356 control chromosomes (gnomAD). c.4943G>A has been published in the literature in multiple affected individuals with varying disease severity, ranging from one reported unaffected individual to several individuals with GEFS+, Dravet syndrome, and related seizure disorder phenotypes (Escayg_2000, Depienne_2009, Depienne_2010, Oates_2018, Snoeijen-Schouwenaars_2019). Most of these patients were reported in a large family, where the variant co-segregated with the disease (Escayg_2000). These data indicate that the variant is very likely to be associated with disease. Publications reported experimental evidence evaluating an impact on protein function, demonstrating mildly reduced channel inactivation resulting in persistent inward sodium current with significantly accelerated recovery (e.g. Spampanato_2004, Alekov_2000, Lossin_2002). In addition, functional studies in mouse models suggested increased excitability of neurons in the central nervous system, resulting in increased seizure susceptibility (e.g. Hedrich_2014, Salgueiro-Pereira_2019). One clinical diagnostic laboratory has submitted clinical-significance assessments for this variant to ClinVar after 2014 and classified the variant as pathogenic. Based on the evidence outlined above, the variant was classified as pathogenic.

OMIM
Classification: Pathogenic for GENERALIZED EPILEPSY WITH FEBRILE SEIZURES PLUS, TYPE 2. Last evaluated: 2000-04-01. Review status: no assertion criteria provided. Collection method: literature only. Allele origin: germline. Not counted in ClinVar's aggregate classification.

Channelopathy-Associated Epilepsy Research Center
No classification provided (evidence only). Condition: Severe myoclonic epilepsy in infancy. Review status: no classification provided. Collection method: literature only. Allele origin: not applicable. Functional consequence: Severe increase in persistent current, Normal peak current, Increase in ramp current, Slowing of recovery from fast inactivation, Normal rate of activation, Normal voltage dependence of activation, Normal slope of activation, Normal fast inactivation, Normal slope of fast inactivation, Normal voltage dependence of fast inactivation, Overall gain-of-function effect with respect to biophysical channel activity. Not counted in ClinVar's aggregate classification.
ClinVar note: "not provided" was previously submitted as the classification for the variant. However, the classification appeared to be based only on an observation of functional data so it was converted to no classification on 2025-07-30.

UniProtKB/Swiss-Prot
No classification provided. Condition: Severe myoclonic epilepsy in infancy. Review status: no classification provided. Collection method: not provided. Allele origin: germline. Not counted in ClinVar's aggregate classification.

Literature cited by the submitters: PubMed 12086636 (cited by 3 submitters); PubMed 20100831 (cited by Labcorp Genetics (formerly Invitae), Labcorp); PubMed 10742094 (cited by 3 submitters); PubMed 20522430 (cited by Labcorp Genetics (formerly Invitae), Labcorp and Women's Health and Genetics/Laboratory Corporation of America, LabCorp); PubMed 18930999 (cited by Women's Health and Genetics/Laboratory Corporation of America, LabCorp); PubMed 11118488 (cited by Women's Health and Genetics/Laboratory Corporation of America, LabCorp); PubMed 25378155 (cited by Women's Health and Genetics/Laboratory Corporation of America, LabCorp); PubMed 29760947 (cited by Women's Health and Genetics/Laboratory Corporation of America, LabCorp); PubMed 27267376 (cited by Women's Health and Genetics/Laboratory Corporation of America, LabCorp); PubMed 30659983 (cited by Women's Health and Genetics/Laboratory Corporation of America, LabCorp); PubMed 30525188 (cited by Women's Health and Genetics/Laboratory Corporation of America, LabCorp); PubMed 14702334 (cited by Women's Health and Genetics/Laboratory Corporation of America, LabCorp); PubMed 10486327 (cited by OMIM).

NM_001165963.4(SCN1A):c.4943G>A (p.Arg1648His)

Genes: SCN1A (sodium voltage-gated channel alpha subunit 1; minus strand), LOC102724058 (uncharacterized LOC102724058; plus strand). Cytogenetic location: 2q24.3.
Variant type: single nucleotide variant.
Coding change: c.4943G>A on transcript NM_001165963.4 (MANE Select); coding-DNA position 4943, G replaced by A.
Protein change: p.Arg1648His; replaces arginine 1648 with histidine.
Molecular consequence: missense variant. On other transcripts: non-coding transcript variant (1).
Genome position (GRCh38, 1-based): chr2:165,992,332, C>T on the plus strand (G>A on the coding strand, the complement: SCN1A is on the minus strand). VCF-style: chr2-165992332-C-T. GRCh37 (hg19) VCF-style: chr2-166848842-C-T.
Other names: c.4859G>A, p.Arg1620His (NM_001165964.3, NM_001353957.2, NM_001353958.2); c.4943G>A, p.Arg1648His (NM_001202435.3, NM_001353948.2); c.4910G>A, p.Arg1637His (NM_001353949.2, NM_001353950.2, NM_001353951.2 and 2 more transcripts); c.4907G>A, p.Arg1636His (NM_001353954.2, NM_001353955.2); c.4856G>A, p.Arg1619His (NM_001353960.2); c.2501G>A, p.Arg834His (NM_001353961.2); short protein forms R1648H, R1637H, R1620H, R1636H, R834H, R1619H.
Identifiers: ClinVar variation 12882 (VCV000012882.15), dbSNP rs121918622, ClinGen allele CA256584.